The following is an entry in ClinVar:

ClinVar aggregate classification (germline): Pathogenic (1 of 4 stars; one submission).

Conditions:
Primary ciliary dyskinesia. Also called: Ciliary dyskinesia. Identifiers: Orphanet 244, MedGen C0008780, MONDO:0016575, HP:0012265.

Submission:

Labcorp Genetics (formerly Invitae), Labcorp
Classification: Pathogenic for Primary ciliary dyskinesia. Last evaluated: 2022-07-17. Review status: criteria provided, single submitter. Criteria: Invitae Variant Classification Sherloc (09022015). Collection method: clinical testing. Allele origin: germline.
Comment: This variant has not been reported in the literature in individuals affected with RPGR-related conditions. For these reasons, this variant has been classified as Pathogenic. This variant is not present in population databases (gnomAD no frequency). This sequence change creates a premature translational stop signal (p.Gly112Valfs*21) in the RPGR gene. It is expected to result in an absent or disrupted protein product. Loss-of-function variants in RPGR are known to be pathogenic (PMID: 16055928, 16969763).

Literature cited by the submitters: PubMed 16055928; PubMed 16969763.

NM_001034853.2(RPGR):c.335del (p.Gly112fs)

Gene: RPGR (retinitis pigmentosa GTPase regulator; minus strand). Cytogenetic location: Xp11.4.
Variant type: Deletion.
Coding change: c.335del on transcript NM_001034853.2 (MANE Select); coding-DNA position 335, one base deleted (G; older notation c.335delG).
Protein change: p.Gly112fs; shifts the reading frame from glycine 112.
Molecular consequence: frameshift variant. On other transcripts: non-coding transcript variant (6).
Genome position (GRCh38, 1-based): chrX:38,318,963, C deleted on the plus strand (G on the coding strand, the reverse complement: RPGR is on the minus strand); the first of 2 consecutive C bases (chrX:38,318,963-38,318,964); deleting either gives the same sequence. VCF-style (leftmost placement, unchanged base first): chrX-38318962-AC-A. GRCh37 (hg19) VCF-style: chrX-38178215-AC-A.
Other names: c.335del, p.Gly112fs (NM_000328.3, NM_001367245.1, NM_001367246.1 and 3 more transcripts); c.365del, p.Gly122fs (NM_001367248.1); c.332del, p.Gly111fs (NM_001367249.1); short protein forms G122fs, G111fs, G112fs.
Identifiers: ClinVar variation 2017888 (VCV002017888.4), dbSNP rs2519895210, ClinGen allele CA2580100828.